The following is an entry in ClinVar:

ClinVar aggregate classification (germline): Likely pathogenic. Review status: criteria provided, single submitter (1 of 4 stars). 2 submissions from 2 submitters: Likely pathogenic (1). 1 of the submissions does not count toward it. Last evaluated 2023-10-07.

Conditions:
Fanconi anemia complementation group G. Also called: FANCG-Related Fanconi Anemia; Fanconi anemia group G. Identifiers: Orphanet 84, MedGen C3469527, MONDO:0013565, OMIM 614082.

Submissions (2):

Baylor Genetics
Classification: Likely pathogenic for Fanconi anemia complementation group G. Last evaluated: 2023-10-07. Review status: criteria provided, single submitter. Criteria: ACMG Guidelines, 2015. Collection method: clinical testing. Allele origin: unknown.

Leiden Open Variation Database
Classification: Pathogenic for Fanconi anemia complementation group G. Last evaluated: 2020-02-28. Review status: no assertion criteria provided. Collection method: curation. Allele origin: germline. Affected: yes. Not counted in ClinVar's aggregate classification.
Comment: Curator: Arleen D. Auerbach. Submitter to LOVD: Arleen D. Auerbach.

Literature cited by the submitters: PubMed 12552564 (cited by Leiden Open Variation Database).

NM_004629.2(FANCG):c.1771dup (p.Leu591fs)

Gene: FANCG (FA complementation group G; minus strand). Cytogenetic location: 9p13.3.
Variant type: Duplication.
Coding change: c.1771dup on transcript NM_004629.2 (MANE Select); coding-DNA position 1771, one base duplicated (C; older notation c.1771dupC).
Protein change: p.Leu591fs; shifts the reading frame from leucine 591.
Molecular consequence: frameshift variant.
Genome position (GRCh38, 1-based): chr9:35,074,206, G duplicated on the plus strand (C on the coding strand, the reverse complement: FANCG is on the minus strand); the first of 5 consecutive G bases (chr9:35,074,206-35,074,210); duplicating any one gives the same sequence. VCF-style (leftmost placement, unchanged base first): chr9-35074205-A-AG. GRCh37 (hg19) VCF-style: chr9-35074202-A-AG.
Other names: short protein forms L591fs.
Identifiers: ClinVar variation 929710 (VCV000929710.2), dbSNP rs746392434, ClinGen allele CA587568809.